The following is an entry in ClinVar:

NM_001267550.2(TTN):c.3236dup (p.Ala1080fs)

Gene: TTN (titin; minus strand). Cytogenetic location: 2q31.2.
Variant type: Duplication.
Coding change: c.3236dup on transcript NM_001267550.2 (MANE Select); coding-DNA position 3236, one base duplicated (C; older notation c.3236dupC).
Protein change: p.Ala1080fs; shifts the reading frame from alanine 1080.
Molecular consequence: frameshift variant.
Genome position (GRCh38, 1-based): chr2:178,782,356, G duplicated on the plus strand (C on the coding strand, the reverse complement: TTN is on the minus strand); the first of 2 consecutive G bases (chr2:178,782,356-178,782,357); duplicating either gives the same sequence. VCF-style (leftmost placement, unchanged base first): chr2-178782355-A-AG. GRCh37 (hg19) VCF-style: chr2-179647082-A-AG.
Other names: c.3236dup, p.Ala1080fs (NM_001256850.1, NM_133378.4, NM_133379.5); c.3098dup, p.Ala1034fs (NM_003319.4, NM_133432.3, NM_133437.4); short protein forms A1034fs, A1080fs.
Identifiers: ClinVar variation 4786012 (VCV004786012.1).
Genomic context (GRCh38, chr2:178,782,355, plus strand): 5'-CACGCTCCCACCTTCCACCAGTTTCTGGACCACTGGTTTTGTAATAAAGTAAGGCGCGGC[A>AG]GGTTCTCCAGGCCCTGCTTGTTCCTCTGTGAGGCTAGTATCAGTCATAACCACATCTCTT-3'

ClinVar aggregate classification (germline): Likely pathogenic (1 of 4 stars; one submission).

Conditions:
Autosomal recessive limb-girdle muscular dystrophy type 2J (LGMDR10). Also called: Limb-girdle muscular dystrophy, type 2J; MUSCULAR DYSTROPHY, LIMB-GIRDLE, AUTOSOMAL RECESSIVE 10. Identifiers: Orphanet 140922, MedGen C1837342, MONDO:0012127, OMIM 608807.
Dilated cardiomyopathy 1G (CMD1G). Identifiers: Orphanet 154, MedGen C1858763, MONDO:0011400, OMIM 604145.

Submission:

Labcorp Genetics (formerly Invitae), Labcorp
Classification: Likely pathogenic for Dilated cardiomyopathy 1G; Autosomal recessive limb-girdle muscular dystrophy type 2J. Last evaluated: 2025-08-30. Review status: criteria provided, single submitter. Criteria: Invitae Variant Classification Sherloc (09022015). Collection method: clinical testing. Allele origin: germline.
Comment: This sequence change creates a premature translational stop signal (p.Ala1080Cysfs*59) in the TTN gene. While this is not anticipated to result in nonsense mediated decay, it is expected to create a truncated TTN protein. This variant is not present in population databases (gnomAD no frequency). This variant has not been reported in the literature in individuals affected with TTN-related conditions. Algorithms developed to predict the effect of sequence changes on RNA splicing suggest that this variant may disrupt the consensus splice site. This variant is located in the Z band of TTN (PMID: 25589632). Truncating variants in this region have been reported in individuals affected with autosomal recessive centronuclear myopathy (PMID: 33449170, internal data). Truncating variants in this region have also been identified in individuals affected with autosomal dominant dilated cardiomyopathy and/or cardio-related conditions (PMID: 27869827, 32964742, internal data). In summary, the currently available evidence indicates that the variant is pathogenic, but additional data are needed to prove that conclusively. Therefore, this variant has been classified as Likely Pathogenic.

Literature cited by the submitters: PubMed 25589632; PubMed 33449170; PubMed 27869827; PubMed 32964742.